The following is an entry in ClinVar:

ClinVar aggregate classification (germline): Uncertain significance (1 of 4 stars; one submission).

gnomAD v4.1: 2 of 1,614,138 alleles (0.00012%); highest among the groups gnomAD compares: Non-Finnish European, 0.00017%; no homozygotes.

Submission:

Labcorp Genetics (formerly Invitae), Labcorp
Classification: Uncertain significance. Last evaluated: 2024-02-20. Review status: criteria provided, single submitter. Criteria: Invitae Variant Classification Sherloc (09022015). Collection method: clinical testing. Allele origin: germline.
Comment: This sequence change replaces glutamic acid, which is acidic and polar, with valine, which is neutral and non-polar, at codon 634 of the MCM5 protein (p.Glu634Val). This variant is not present in population databases (gnomAD no frequency). This variant has not been reported in the literature in individuals affected with MCM5-related conditions. Advanced modeling of protein sequence and biophysical properties (such as structural, functional, and spatial information, amino acid conservation, physicochemical variation, residue mobility, and thermodynamic stability) performed at Invitae indicates that this missense variant is not expected to disrupt MCM5 protein function with a negative predictive value of 80%. In summary, the available evidence is currently insufficient to determine the role of this variant in disease. Therefore, it has been classified as a Variant of Uncertain Significance.

NM_006739.4(MCM5):c.1901A>T (p.Glu634Val)

Gene: MCM5 (minichromosome maintenance complex component 5; plus strand). Cytogenetic location: 22q12.3.
Variant type: single nucleotide variant.
Coding change: c.1901A>T on transcript NM_006739.4 (MANE Select); coding-DNA position 1901, A replaced by T.
Protein change: p.Glu634Val; replaces glutamic acid 634 with valine.
Molecular consequence: missense variant.
Genome position (GRCh38, 1-based): chr22:35,421,386, A>T. VCF-style: chr22-35421386-A-T. GRCh37 (hg19) VCF-style: chr22-35817379-A-T.
Other names: short protein forms E634V.
Identifiers: ClinVar variation 3642336 (VCV003642336.2).